The following is an entry in ClinVar:

NM_006324.3(CFDP1):c.60G>T (p.Pro20=)

Gene: CFDP1 (craniofacial development protein 1; minus strand). Cytogenetic location: 16q23.1.
Variant type: single nucleotide variant.
Coding change: c.60G>T on transcript NM_006324.3 (MANE Select); coding-DNA position 60, G replaced by T.
Protein change: p.Pro20=; no amino-acid change (proline 20 retained).
Molecular consequence: synonymous variant.
Genome position (GRCh38, 1-based): chr16:75,433,293, C>A on the plus strand (G>T on the coding strand, the complement: CFDP1 is on the minus strand). VCF-style: chr16-75433293-C-A. GRCh37 (hg19) VCF-style: chr16-75467191-C-A.
Identifiers: ClinVar variation 3031738 (VCV003031738.2), dbSNP rs754680010, ClinGen allele CA283869531.

ClinVar aggregate classification (germline): Likely benign (0 of 4 stars; one submission).

Conditions:
CFDP1-related disorder. Also called: CFDP1-related condition.

Allele frequency attached by ClinVar (database versions not stated): TOPMed 0.00001.
gnomAD v4.1: 3 of 1,599,312 alleles (0.00019%); highest among the groups gnomAD compares: Admixed American, 0.0034%; no homozygotes.

Submission:

PreventionGenetics, part of Exact Sciences
Classification: Likely benign for CFDP1-related condition. Last evaluated: 2020-10-23. Review status: no assertion criteria provided. Collection method: clinical testing. Allele origin: germline.
Comment: This variant is classified as likely benign based on ACMG/AMP sequence variant interpretation guidelines (Richards et al. 2015 PMID: 25741868, with internal and published modifications).